The following is an entry in ClinVar:

NM_018699.4(PRDM5):c.1609C>T (p.Arg537Cys)

Gene: PRDM5 (PR/SET domain 5; minus strand). Cytogenetic location: 4q27.
Variant type: single nucleotide variant.
Coding change: c.1609C>T on transcript NM_018699.4 (MANE Select); coding-DNA position 1609, C replaced by T.
Protein change: p.Arg537Cys; replaces arginine 537 with cysteine.
Molecular consequence: missense variant. On other transcripts: intron variant (1).
Genome position (GRCh38, 1-based): chr4:120,754,567, G>A on the plus strand (C>T on the coding strand, the complement: PRDM5 is on the minus strand). VCF-style: chr4-120754567-G-A. GRCh37 (hg19) VCF-style: chr4-121675722-G-A.
Other names: c.1516C>T, p.Arg506Cys (NM_001300823.2, NM_001379106.1); c.1642C>T, p.Arg548Cys (NM_001379104.1); c.1444+22621C>T (NM_001300824.2); short protein forms R506C, R537C, R548C.
Identifiers: ClinVar variation 1776348 (VCV001776348.3), dbSNP rs1463793614, ClinGen allele CA358206829.
Genomic context (GRCh38, chr4:120,754,567, plus strand): 5'-GTATGGTTTTCATGATCAATATTAATGAAACAGAATATAATCTTACCCTGGTGTGAGTAC[G>A]AATGTGCATCTTCAGTCCATCATTTTTACTGAATCCTTTTTCACAGTAAGGACATTGATA-3'
Protein context (NP_061169.2, residues 527-547): SKNDGLKMHI[Arg537Cys]THTREKPYKC

ClinVar aggregate classification (germline): Uncertain significance (1 of 4 stars; one submission).

Conditions:
Cardiovascular phenotype. Identifiers: MedGen CN230736.

gnomAD v4.1: 9 of 1,577,996 alleles (0.00057%); highest among the groups gnomAD compares: Non-Finnish European, 0.0007%; no homozygotes.

Submission:

Ambry Genetics
Classification: Uncertain significance for Cardiovascular phenotype. Last evaluated: 2024-05-17. Review status: criteria provided, single submitter. Criteria: Ambry Variant Classification Scheme 2023. Collection method: clinical testing. Allele origin: germline.
Comment: The p.R537C variant (also known as c.1609C>T), located in coding exon 14 of the PRDM5 gene, results from a C to T substitution at nucleotide position 1609. The arginine at codon 537 is replaced by cysteine, an amino acid with highly dissimilar properties. This amino acid position is conserved. In addition, the in silico prediction for this alteration is inconclusive. Since supporting evidence is limited at this time, the clinical significance of this alteration remains unclear.